The following is an entry in ClinVar:

NM_022114.4(PRDM16):c.185C>T (p.Pro62Leu)

Gene: PRDM16 (PR/SET domain 16; plus strand). Cytogenetic location: 1p36.32.
Variant type: single nucleotide variant.
Coding change: c.185C>T on transcript NM_022114.4 (MANE Select); coding-DNA position 185, C replaced by T.
Protein change: p.Pro62Leu; replaces proline 62 with leucine.
Molecular consequence: missense variant.
Genome position (GRCh38, 1-based): chr1:3,186,272, C>T. VCF-style: chr1-3186272-C-T. GRCh37 (hg19) VCF-style: chr1-3102836-C-T.
Other names: c.185C>T, p.Pro62Leu (NM_199454.3); short protein forms P62L.
Identifiers: ClinVar variation 2732236 (VCV002732236.3), dbSNP rs2522908997, ClinGen allele CA338215564.

ClinVar aggregate classification (germline): Uncertain significance (1 of 4 stars; one submission).

Conditions:
Left ventricular noncompaction 8 (LVNC8). Identifiers: Orphanet 154, Orphanet 54260, MedGen C3809288, MONDO:0014152, OMIM 615373.

Submission:

Labcorp Genetics (formerly Invitae), Labcorp
Classification: Uncertain significance for Left ventricular noncompaction 8. Last evaluated: 2023-06-28. Review status: criteria provided, single submitter. Criteria: Invitae Variant Classification Sherloc (09022015). Collection method: clinical testing. Allele origin: germline.
Comment: In summary, the available evidence is currently insufficient to determine the role of this variant in disease. Therefore, it has been classified as a Variant of Uncertain Significance. An algorithm developed to predict the effect of missense changes on protein structure and function (PolyPhen-2) suggests that this variant is likely to be disruptive. This variant has not been reported in the literature in individuals affected with PRDM16-related conditions. This variant is not present in population databases (gnomAD no frequency). This sequence change replaces proline, which is neutral and non-polar, with leucine, which is neutral and non-polar, at codon 62 of the PRDM16 protein (p.Pro62Leu).